The following is an entry in ClinVar:

ClinVar aggregate classification (germline): Uncertain significance. Review status: criteria provided, multiple submitters, no conflicts (2 of 4 stars). 2 submissions from 2 submitters: Uncertain significance (2). Last evaluated 2022-08-02.

Conditions:
Hereditary spastic paraplegia 39 (SPG39). Also called: SPASTIC PARAPLEGIA 39, AUTOSOMAL RECESSIVE; Spastic Paraplegia Type 39 (SPG39). Identifiers: Orphanet 139480, MedGen C2677586, MONDO:0012787, OMIM 612020.

Allele frequency attached by ClinVar (database versions not stated): gnomAD 0.00001; gnomAD exomes 0.00002 and 0.00005; TOPMed 0.00002; ExAC 0.00008.
gnomAD v4.1: 30 of 1,613,990 alleles (0.0019%); highest among the groups gnomAD compares: Middle Eastern, 0.016%; no homozygotes.

Submissions (2):

Labcorp Genetics (formerly Invitae), Labcorp
Classification: Uncertain significance for Hereditary spastic paraplegia 39. Last evaluated: 2022-08-02. Review status: criteria provided, single submitter. Criteria: Invitae Variant Classification Sherloc (09022015). Collection method: clinical testing. Allele origin: germline.
Comment: This sequence change replaces glycine, which is neutral and non-polar, with arginine, which is basic and polar, at codon 1123 of the PNPLA6 protein (p.Gly1123Arg). This variant is present in population databases (rs776490050, gnomAD 0.009%). This missense change has been observed in individual(s) with PNPLA6-related conditions (PMID: 32758583). ClinVar contains an entry for this variant (Variation ID: 1519266). Algorithms developed to predict the effect of missense changes on protein structure and function (SIFT, PolyPhen-2, Align-GVGD) all suggest that this variant is likely to be disruptive. In summary, the available evidence is currently insufficient to determine the role of this variant in disease. Therefore, it has been classified as a Variant of Uncertain Significance.

Blueprint Genetics
Classification: Uncertain significance. Last evaluated: 2022-07-01. Review status: criteria provided, single submitter. Criteria: ACMG Guidelines, 2015. Collection method: clinical testing. Allele origin: germline.

Literature cited by the submitters: PubMed 32758583 (cited by Labcorp Genetics (formerly Invitae), Labcorp).

NM_001166114.2(PNPLA6):c.3481G>A (p.Gly1161Arg)

Gene: PNPLA6 (patatin like domain 6, lysophospholipase; plus strand). Cytogenetic location: 19p13.2.
Variant type: single nucleotide variant.
Coding change: c.3481G>A on transcript NM_001166114.2 (MANE Select); coding-DNA position 3481, G replaced by A.
Protein change: p.Gly1161Arg; replaces glycine 1161 with arginine.
Molecular consequence: missense variant.
Genome position (GRCh38, 1-based): chr19:7,558,933, G>A. VCF-style: chr19-7558933-G-A. GRCh37 (hg19) VCF-style: chr19-7623819-G-A.
Other names: c.3511G>A, p.Gly1171Arg (NM_001166111.2); c.3286G>A, p.Gly1096Arg (NM_001166112.2); c.3367G>A, p.Gly1123Arg (NM_001166113.1, NM_006702.5); short protein forms G1123R, G1171R, G1161R, G1096R.
Identifiers: ClinVar variation 1519266 (VCV001519266.4), dbSNP rs776490050, ClinGen allele CA9140498.